The following is an entry in ClinVar:

NM_002693.3(POLG):c.2471C>T (p.Ala824Val)

Gene: POLG (DNA polymerase gamma, catalytic subunit; minus strand). Cytogenetic location: 15q26.1.
Variant type: single nucleotide variant.
Coding change: c.2471C>T on transcript NM_002693.3 (MANE Select); coding-DNA position 2471, C replaced by T.
Protein change: p.Ala824Val; replaces alanine 824 with valine.
Molecular consequence: missense variant.
Genome position (GRCh38, 1-based): chr15:89,321,971, G>A on the plus strand (C>T on the coding strand, the complement: POLG is on the minus strand). VCF-style: chr15-89321971-G-A. GRCh37 (hg19) VCF-style: chr15-89865202-G-A.
Other names: c.2471C>T, p.Ala824Val (NM_001126131.2); short protein forms A824V.
Identifiers: ClinVar variation 1320623 (VCV001320623.7), dbSNP rs1378795521, ClinGen allele CA393754935.

ClinVar aggregate classification (germline): Uncertain significance. Review status: criteria provided, multiple submitters, no conflicts (2 of 4 stars). 2 submissions from 2 submitters: Uncertain significance (2). Last evaluated 2024-09-26.

Conditions:
Progressive sclerosing poliodystrophy (MTDPS4A). Also called: NEURONAL DEGENERATION OF CHILDHOOD WITH LIVER DISEASE, PROGRESSIVE; Alpers Syndrome; ALPERS DIFFUSE DEGENERATION OF CEREBRAL GRAY MATTER WITH HEPATIC CIRRHOSIS; Alpers-Huttenlocher Syndrome; Mitochondrial DNA depletion syndrome 4A (Alpers type); Mitochondrial DNA Depletion Syndrome 4A. Identifiers: Orphanet 726, MedGen C0205710, MONDO:0008758, OMIM 203700.

Allele frequency attached by ClinVar (database versions not stated): TOPMed below 0.00001; gnomAD 0.00001; gnomAD exomes 0.00001.
gnomAD v4.1: 8 of 1,614,070 alleles (0.0005%); highest among the groups gnomAD compares: East Asian, 0.018%; no homozygotes.

Submissions (2):

GeneDx
Classification: Uncertain significance. Last evaluated: 2024-09-26. Review status: criteria provided, single submitter. Criteria: GeneDx Variant Classification Process June 2021. Collection method: clinical testing. Allele origin: germline. Affected: yes.
Comment: Has not been previously published as pathogenic or benign to our knowledge; Not observed at significant frequency in large population cohorts (gnomAD); In silico analysis supports that this missense variant does not alter protein structure/function

Labcorp Genetics (formerly Invitae), Labcorp
Classification: Uncertain significance for Progressive sclerosing poliodystrophy. Last evaluated: 2024-06-04. Review status: criteria provided, single submitter. Criteria: Invitae Variant Classification Sherloc (09022015). Collection method: clinical testing. Allele origin: germline.
Comment: This sequence change replaces alanine, which is neutral and non-polar, with valine, which is neutral and non-polar, at codon 824 of the POLG protein (p.Ala824Val). This variant is not present in population databases (gnomAD no frequency). This variant has not been reported in the literature in individuals affected with POLG-related conditions. ClinVar contains an entry for this variant (Variation ID: 1320623). Advanced modeling of protein sequence and biophysical properties (such as structural, functional, and spatial information, amino acid conservation, physicochemical variation, residue mobility, and thermodynamic stability) performed at Invitae indicates that this missense variant is not expected to disrupt POLG protein function with a negative predictive value of 95%. In summary, the available evidence is currently insufficient to determine the role of this variant in disease. Therefore, it has been classified as a Variant of Uncertain Significance.